The following is an entry in ClinVar:

ClinVar aggregate classification (germline): Conflicting classifications of pathogenicity. Review status: criteria provided, conflicting classifications (1 of 4 stars). 6 submissions from 6 submitters: Uncertain significance (2); Likely benign (4). Last evaluated 2026-01-20.

Conditions:
IGHMBP2-related disorder. Also called: IGHMBP2-related condition; IGHMBP2-related disorders.
Inborn genetic diseases. Identifiers: MedGen C0950123, MeSH D030342.
Charcot-Marie-Tooth disease axonal type 2S. Also called: CHARCOT-MARIE-TOOTH DISEASE, AXONAL, AUTOSOMAL RECESSIVE, TYPE 2S; CHARCOT-MARIE-TOOTH NEUROPATHY, TYPE 2S. Identifiers: Orphanet 443073, MedGen C4015349, MONDO:0014511, OMIM 616155.
Autosomal recessive distal spinal muscular atrophy 1. Also called: NEURONOPATHY, DISTAL HEREDITARY MOTOR, HARDING TYPE VI; NEUROPATHY, DISTAL HEREDITARY MOTOR, AUTOSOMAL RECESSIVE 1; NEURONOPATHY, SEVERE INFANTILE AXONAL, WITH RESPIRATORY FAILURE; HMN VI; SEVERE INFANTILE AXONAL NEUROPATHY WITH RESPIRATORY FAILURE; SPINAL MUSCULAR ATROPHY, DIAPHRAGMATIC. Identifiers: Orphanet 98920, MedGen C1858517, MONDO:0011436, OMIM 604320.

Allele frequency attached by ClinVar (database versions not stated): gnomAD exomes 0.00005 and 0.00012; gnomAD 0.00006; TOPMed 0.00007; ExAC 0.00008.
gnomAD v4.1: 104 of 1,613,932 alleles (0.0064%); highest among the groups gnomAD compares: Non-Finnish European, 0.0015%; 1 homozygote.

Submissions (6):

Labcorp Genetics (formerly Invitae), Labcorp
Classification: Likely benign for Autosomal recessive distal spinal muscular atrophy 1; Charcot-Marie-Tooth disease axonal type 2S. Last evaluated: 2026-01-20. Review status: criteria provided, single submitter. Criteria: Invitae Variant Classification Sherloc (09022015). Collection method: clinical testing. Allele origin: germline.

PreventionGenetics, part of Exact Sciences
Classification: Likely benign for IGHMBP2-related condition. Last evaluated: 2025-12-19. Review status: criteria provided, single submitter. Criteria: ACMG Guidelines, 2015. Collection method: clinical testing. Allele origin: germline.
Comment: This variant is classified as likely benign based on ACMG/AMP sequence variant interpretation guidelines (Richards et al. 2015 PMID: 25741868, with internal and published modifications).

Ambry Genetics
Classification: Likely benign for Inborn genetic diseases. Last evaluated: 2020-05-14. Review status: criteria provided, single submitter. Criteria: Ambry Variant Classification Scheme 2023. Collection method: clinical testing. Allele origin: germline.

GeneDx
Classification: Likely benign. Last evaluated: 2019-12-05. Review status: criteria provided, single submitter. Criteria: GeneDx Variant Classification Process June 2021. Collection method: clinical testing. Allele origin: germline. Affected: yes.
Comment: Has not been previously published as pathogenic or benign to our knowledge

Revvity Omics, Revvity
Classification: Uncertain significance. Last evaluated: 2019-03-27. Review status: criteria provided, single submitter. Criteria: ACMG Guidelines, 2015. Collection method: clinical testing. Allele origin: germline.

Illumina Laboratory Services, Illumina
Classification: Uncertain significance for Autosomal recessive distal spinal muscular atrophy 1. Last evaluated: 2018-01-12. Review status: criteria provided, single submitter. Criteria: ICSL Variant Classification Criteria 13 December 2019. Collection method: clinical testing. Allele origin: germline.

NM_002180.3(IGHMBP2):c.2674A>G (p.Lys892Glu)

Gene: IGHMBP2 (immunoglobulin mu DNA binding protein 2; plus strand). Cytogenetic location: 11q13.3.
Variant type: single nucleotide variant.
Coding change: c.2674A>G on transcript NM_002180.3 (MANE Select); coding-DNA position 2674, A replaced by G.
Protein change: p.Lys892Glu; replaces lysine 892 with glutamic acid.
Molecular consequence: missense variant.
Genome position (GRCh38, 1-based): chr11:68,938,244, A>G. VCF-style: chr11-68938244-A-G. GRCh37 (hg19) VCF-style: chr11-68705712-A-G.
Other names: short protein forms K892E.
Identifiers: ClinVar variation 245869 (VCV000245869.22), dbSNP rs201970407, ClinGen allele CA6153983.